The following is an entry in ClinVar:

ClinVar aggregate classification (germline): Conflicting classifications of pathogenicity. Review status: criteria provided, conflicting classifications (1 of 4 stars). 11 submissions from 10 submitters: Uncertain significance (4); Benign (2); Likely benign (4). 1 of the submissions does not count toward it. Last evaluated 2026-03-01.

Conditions:
WFS1-Related Spectrum Disorders.
WFS1-related disorder. Identifiers: MedGen CN379391, MONDO:0700293.
Autosomal dominant nonsyndromic hearing loss 6 (LFSNHL). Also called: DEAFNESS, AUTOSOMAL DOMINANT 6; DEAFNESS, AUTOSOMAL DOMINANT 14; DEAFNESS, AUTOSOMAL DOMINANT 38; Autosomal dominant nonsyndromic deafness 6. Identifiers: Orphanet 90635, MedGen C1833021, MONDO:0010963, OMIM 600965.
Wolfram syndrome 1 (WFS1). Identifiers: Orphanet 3463, MedGen C4551693, MONDO:0009101, OMIM 222300.

Allele frequency attached by ClinVar (database versions not stated): 1000 Genomes Project 30x 0.00031; ExAC 0.00039; 1000 Genomes Project 0.00040; gnomAD exomes 0.00042; ESP Exome Variant Server 0.00046; gnomAD 0.00046 and 0.00048; TOPMed 0.00048.
gnomAD v4.1: 930 of 1,610,184 alleles (0.058%); highest among the groups gnomAD compares: Admixed American, 0.1%; 2 homozygotes.

Submissions (11):

CeGaT Center for Human Genetics Tuebingen
Classification: Likely benign. Last evaluated: 2026-03-01. Review status: criteria provided, single submitter. Criteria: CeGaT Center For Human Genetics Tuebingen Variant Classification Criteria Version 2. Collection method: clinical testing. Allele origin: germline. Affected: yes. Observed: 3 variant alleles.
Comment: WFS1: BP4, BP7

Labcorp Genetics (formerly Invitae), Labcorp
Classification: Likely benign. Last evaluated: 2026-01-14. Review status: criteria provided, single submitter. Criteria: Invitae Variant Classification Sherloc (09022015). Collection method: clinical testing. Allele origin: germline.

Blueprint Genetics
Classification: Likely benign. Last evaluated: 2024-11-12. Review status: criteria provided, single submitter. Criteria: ACMG Guidelines, 2015. Collection method: clinical testing. Allele origin: germline.

Illumina Laboratory Services, Illumina
Classification: Uncertain significance for WFS1-Related Spectrum Disorders. Last evaluated: 2018-01-12. Review status: criteria provided, single submitter. Criteria: ICSL Variant Classification Criteria 13 December 2019. Collection method: clinical testing. Allele origin: germline.

Illumina Laboratory Services, Illumina
Classification: Uncertain significance for Autosomal dominant nonsyndromic hearing loss 6. Last evaluated: 2018-01-12. Review status: criteria provided, single submitter. Criteria: ICSL Variant Classification Criteria 13 December 2019. Collection method: clinical testing. Allele origin: germline.

Eurofins Ntd Llc (ga)
Classification: Uncertain significance. Last evaluated: 2017-04-04. Review status: criteria provided, single submitter. Criteria: EGL Classification Definitions 2015. Collection method: clinical testing. Allele origin: germline. Observed: 1 variant allele, 1 heterozygote.

Laboratory for Molecular Medicine, Mass General Brigham Personalized Medicine
Classification: Likely benign. Last evaluated: 2017-03-07. Review status: criteria provided, single submitter. Criteria: LMM Criteria. Collection method: clinical testing. Allele origin: germline. Observed: 2 variant alleles.
Comment: p.Ser808Ser in exon 8 of WFS1: This variant is not expected to have clinical sig nificance because it does not alter an amino acid residue, is not located within the splice consensus sequence, and has been identified in several populations b y the Genome Aggregation Database, including 69/124924 European chromosomes and 27/34324 Latino chromosomes (gnomAD; dbSNP rs5 6035336).

Genetic Services Laboratory, University of Chicago
Classification: Uncertain significance. Last evaluated: 2015-06-24. Review status: criteria provided, single submitter. Criteria: ACMG Guidelines, 2015. Collection method: clinical testing. Allele origin: germline.

GeneDx
Classification: Benign. Last evaluated: 2015-05-20. Review status: criteria provided, single submitter. Criteria: GeneDx Variant Classification (06012015). Collection method: clinical testing. Allele origin: germline. Affected: yes.
Comment: This variant is considered likely benign or benign based on one or more of the following criteria: it is a conservative change, it occurs at a poorly conserved position in the protein, it is predicted to be benign by multiple in silico algorithms, and/or has population frequency not consistent with disease.

Clinical Genomics, Uppaluri K&H Personalized Medicine Clinic
Classification: Benign for Wolfram syndrome 1. Review status: criteria provided, single submitter. Criteria: K & H Uppaluri Personalized Medicine Clinic Variant Classification & Assertion Criteria_Updated V.1. Collection method: research. Allele origin: unknown. Inheritance: Autosomal recessive inheritance.
Comment: Potent mutations in WFS1 gene are associated with Wolfram's syndrome, an autosomal recessive condition, which cause diabetes mellitus, diabetes insipidus, deafness and optic atrophy. However no sufficient evidence is found to ascertain the role of this particular variant rs56035336 in Wolfram's syndrome yet.

PreventionGenetics, part of Exact Sciences
Classification: Likely benign for WFS1-related condition. Last evaluated: 2019-03-13. Review status: no assertion criteria provided. Collection method: clinical testing. Allele origin: germline. Not counted in ClinVar's aggregate classification.
Comment: This variant is classified as likely benign based on ACMG/AMP sequence variant interpretation guidelines (Richards et al. 2015 PMID: 25741868, with internal and published modifications).

Literature cited by the submitters: PubMed 20738327 (cited by Clinical Genomics, Uppaluri K&H Personalized Medicine Clinic); PubMed 33879153 (cited by Clinical Genomics, Uppaluri K&H Personalized Medicine Clinic); PubMed 12955714 (cited by Clinical Genomics, Uppaluri K&H Personalized Medicine Clinic); PubMed 18060660 (cited by Clinical Genomics, Uppaluri K&H Personalized Medicine Clinic); PubMed 20301750 (cited by Clinical Genomics, Uppaluri K&H Personalized Medicine Clinic); PubMed 17603484 (cited by Clinical Genomics, Uppaluri K&H Personalized Medicine Clinic).

NM_006005.3(WFS1):c.2424C>T (p.Ser808=)

Gene: WFS1 (wolframin ER transmembrane glycoprotein; plus strand). Cytogenetic location: 4p16.1.
Variant type: single nucleotide variant.
Coding change: c.2424C>T on transcript NM_006005.3 (MANE Select); coding-DNA position 2424, C replaced by T.
Protein change: p.Ser808=; no amino-acid change (serine 808 retained).
Molecular consequence: synonymous variant.
Genome position (GRCh38, 1-based): chr4:6,302,219, C>T. VCF-style: chr4-6302219-C-T. GRCh37 (hg19) VCF-style: chr4-6303946-C-T.
Other names: c.2424C>T, p.Ser808= (NM_001145853.1).
Identifiers: ClinVar variation 212615 (VCV000212615.54), dbSNP rs56035336, ClinGen allele CA208765.